The following is an entry in ClinVar:

ClinVar aggregate classification (germline): Uncertain significance (1 of 4 stars; one submission).

gnomAD v4.1: 1 of 1,613,704 alleles (0.000062%); highest among the groups gnomAD compares: South Asian, 0.0011%; no homozygotes.

Submission:

Labcorp Genetics (formerly Invitae), Labcorp
Classification: Uncertain significance. Last evaluated: 2022-08-22. Review status: criteria provided, single submitter. Criteria: Invitae Variant Classification Sherloc (09022015). Collection method: clinical testing. Allele origin: germline.
Comment: This sequence change replaces proline, which is neutral and non-polar, with alanine, which is neutral and non-polar, at codon 276 of the HPS1 protein (p.Pro276Ala). This variant is not present in population databases (gnomAD no frequency). This variant has not been reported in the literature in individuals affected with HPS1-related conditions. Algorithms developed to predict the effect of missense changes on protein structure and function (SIFT, PolyPhen-2, Align-GVGD) all suggest that this variant is likely to be tolerated. In summary, the available evidence is currently insufficient to determine the role of this variant in disease. Therefore, it has been classified as a Variant of Uncertain Significance.

NM_000195.5(HPS1):c.826C>G (p.Pro276Ala)

Gene: HPS1 (HPS1 biogenesis of lysosomal organelles complex 3 subunit 1; minus strand). Cytogenetic location: 10q24.2.
Variant type: single nucleotide variant.
Coding change: c.826C>G on transcript NM_000195.5 (MANE Select); coding-DNA position 826, C replaced by G.
Protein change: p.Pro276Ala; replaces proline 276 with alanine.
Molecular consequence: missense variant. On other transcripts: 5 prime UTR variant (1), synonymous variant (1), intron variant (8).
Genome position (GRCh38, 1-based): chr10:98,429,832, G>C on the plus strand (C>G on the coding strand, the complement: HPS1 is on the minus strand). VCF-style: chr10-98429832-G-C. GRCh37 (hg19) VCF-style: chr10-100189589-G-C.
Other names: c.826C>G, p.Pro276Ala (NM_001322476.2, NM_001322477.2, NM_182639.4); c.565C>G, p.Pro189Ala (NM_001322480.2, NM_001322481.2); c.457C>G, p.Pro153Ala (NM_001322483.2, NM_001322484.2); c.-147C>G (NM_001322487.2); c.708C>G, p.Ala236= (NM_001322490.2); c.769-190C>G (NM_001322478.2, NM_001322479.2, NM_001322491.2); c.400-190C>G (NM_001322485.2); c.508-190C>G (NM_001322482.2); and 2 more; short protein forms P189A, P276A, P153A.
Identifiers: ClinVar variation 2091867 (VCV002091867.4), dbSNP rs2538904064, ClinGen allele CA378051530.